The following is an entry in ClinVar:

ClinVar aggregate classification (germline): Uncertain significance (1 of 4 stars; one submission).

Submission:

CeGaT Center for Human Genetics Tuebingen
Classification: Uncertain significance. Last evaluated: 2025-06-01. Review status: criteria provided, single submitter. Criteria: CeGaT Center For Human Genetics Tuebingen Variant Classification Criteria Version 2. Collection method: clinical testing. Allele origin: germline. Affected: yes. Observed: 1 variant allele.
Comment: MAGEL2: PM2

NM_019066.5(MAGEL2):c.1105C>G (p.Gln369Glu)

Gene: MAGEL2 (MAGE family member L2; minus strand). Cytogenetic location: 15q11.2.
Variant type: single nucleotide variant.
Coding change: c.1105C>G on transcript NM_019066.5 (MANE Select); coding-DNA position 1105, C replaced by G.
Protein change: p.Gln369Glu; replaces glutamine 369 with glutamic acid.
Molecular consequence: missense variant.
Genome position (GRCh38, 1-based): chr15:23,646,638, G>C on the plus strand (C>G on the coding strand, the complement: MAGEL2 is on the minus strand). VCF-style: chr15-23646638-G-C. GRCh37 (hg19) VCF-style: chr15-23891785-G-C.
Other names: short protein forms Q369E.
Identifiers: ClinVar variation 4085255 (VCV004085255.8).